The following is an entry in ClinVar:

NM_004415.4(DSP):c.2794-2A>G

Gene: DSP (desmoplakin; plus strand). Cytogenetic location: 6p24.3.
Variant type: single nucleotide variant.
Coding change: c.2794-2A>G on transcript NM_004415.4 (MANE Select); the canonical splice acceptor site of the intron before coding-DNA position 2794, A replaced by G.
Molecular consequence: splice acceptor variant.
Genome position (GRCh38, 1-based): chr6:7,576,957, A>G. VCF-style: chr6-7576957-A-G. GRCh37 (hg19) VCF-style: chr6-7577190-A-G.
Other names: c.2794-2A>G (NM_001319034.2, NM_001008844.3).
Identifiers: ClinVar variation 4787276 (VCV004787276.1).

ClinVar aggregate classification (germline): Likely pathogenic (1 of 4 stars; one submission).

Conditions:
Arrhythmogenic right ventricular dysplasia 8 (ARVD8). Also called: Arrhythmogenic Right Ventricular Dysplasia/Cardiomyopathy 8; ARRHYTHMOGENIC RIGHT VENTRICULAR DYSPLASIA, FAMILIAL, 8; ARRHYTHMOGENIC RIGHT VENTRICULAR CARDIOMYOPATHY 8. Identifiers: MedGen C1843896, MONDO:0011831, OMIM 607450.
Arrhythmogenic cardiomyopathy with wooly hair and keratoderma. Also called: Arrhythmogenic cardiomyopathy with woolly hair and keratoderma; PALMOPLANTAR KERATODERMA WITH LEFT VENTRICULAR CARDIOMYOPATHY AND WOOLLY HAIR; Carvajal syndrome; Dilated cardiomyopathy with woolly hair and keratoderma. Identifiers: Orphanet 65282, MedGen C1854063, MONDO:0011581, OMIM 605676.

Submission:

Labcorp Genetics (formerly Invitae), Labcorp
Classification: Likely pathogenic for Arrhythmogenic cardiomyopathy with wooly hair and keratoderma; Arrhythmogenic right ventricular dysplasia 8. Last evaluated: 2026-01-16. Review status: criteria provided, single submitter. Criteria: Invitae Variant Classification Sherloc (09022015). Collection method: clinical testing. Allele origin: germline.
Comment: This sequence change affects an acceptor splice site in intron 19 of the DSP gene. It is expected to disrupt RNA splicing. Variants that disrupt the donor or acceptor splice site typically lead to a loss of protein function (PMID: 16199547), and loss-of-function variants in DSP are known to be pathogenic (PMID: 20716751, 24503780, 25227139, 30398466). This variant is not present in population databases (gnomAD no frequency). This variant has not been reported in the literature in individuals affected with DSP-related conditions. Algorithms developed to predict the effect of sequence changes on RNA splicing suggest that this variant may disrupt the consensus splice site. In summary, the currently available evidence indicates that the variant is pathogenic, but additional data are needed to prove that conclusively. Therefore, this variant has been classified as Likely Pathogenic.

Literature cited by the submitters: PubMed 16199547; PubMed 20716751; PubMed 24503780; PubMed 25227139; PubMed 30398466.